The following is an entry in ClinVar:

ClinVar aggregate classification (germline): Pathogenic (1 of 4 stars; one submission).

Conditions:
Autosomal recessive titinopathy. Identifiers: MedGen CN315649, MONDO:0100493.

Submission:

Myofin, Folkhalsan Research Center
Classification: Pathogenic for Autosomal recessive titinopathy. Last evaluated: 2026-02-06. Review status: criteria provided, single submitter. Criteria: ACMG Guidelines, 2015. Collection method: research. Allele origin: germline. Affected: yes.
Comment: TTN loss-of-function is an established mechanism for autosomal recessive titinopathies. ACMG/AMP criteria applied: PVS1 (predicted loss of function), PM2_Supporting (absent/rare in population databases), and PP4_Supporting (highly consistent clinical phenotype). Overall classification: Pathogenic for recessive titinopathy

Literature cited by the submitters: DOI 10.1101/2025.07.17.25331109.

NM_001267550.2(TTN):c.7856-1G>A

Gene: TTN (titin; minus strand). Cytogenetic location: 2q31.2.
Variant type: single nucleotide variant.
Coding change: c.7856-1G>A on transcript NM_001267550.2 (MANE Select); the canonical splice acceptor site of the intron before coding-DNA position 7856, G replaced by A.
Molecular consequence: splice acceptor variant.
Genome position (GRCh38, 1-based): chr2:178,771,472, C>T on the plus strand (G>A on the coding strand, the complement: TTN is on the minus strand). VCF-style: chr2-178771472-C-T. GRCh37 (hg19) VCF-style: chr2-179636199-C-T.
Other names: c.7718-1G>A (NM_003319.4, NM_133437.4, NM_133432.3); c.7856-1G>A (NM_133378.4, NM_001256850.1, NM_133379.5).
Identifiers: ClinVar variation 4795229 (VCV004795229.1).